The following is an entry in ClinVar:

ClinVar aggregate classification (germline): Uncertain significance (1 of 4 stars; one submission).

Conditions:
TTC21B-related disorder. Also called: TTC21B-related disorders; TTC21B-related condition.

Submission:

PreventionGenetics, part of Exact Sciences
Classification: Uncertain significance for TTC21B-related condition. Last evaluated: 2025-05-22. Review status: criteria provided, single submitter. Criteria: ACMG Guidelines, 2015. Collection method: clinical testing. Allele origin: germline.
Comment: The TTC21B c.785A>G variant is predicted to result in the amino acid substitution p.Asp262Gly. To our knowledge, this variant has not been reported in the literature or in a large population database (gnomAD), indicating this variant is rare. At this time, the clinical significance of this variant is uncertain due to the absence of conclusive functional and genetic evidence.

NM_024753.5(TTC21B):c.785A>G (p.Asp262Gly)

Gene: TTC21B (tetratricopeptide repeat domain 21B; minus strand). Cytogenetic location: 2q24.3.
Variant type: single nucleotide variant.
Coding change: c.785A>G on transcript NM_024753.5 (MANE Select); coding-DNA position 785, A replaced by G.
Protein change: p.Asp262Gly; replaces aspartic acid 262 with glycine.
Molecular consequence: missense variant.
Genome position (GRCh38, 1-based): chr2:165,932,983, T>C on the plus strand (A>G on the coding strand, the complement: TTC21B is on the minus strand). VCF-style: chr2-165932983-T-C. GRCh37 (hg19) VCF-style: chr2-166789493-T-C.
Other names: short protein forms D262G.
Identifiers: ClinVar variation 4997823 (VCV004997823.1).
Genomic context (GRCh38, chr2:165,932,983, plus strand): 5'-TGAAATATATTTTTTAATATAGGAAACTTAAATAATACAATGCCACTTACCTTCTCTATA[T>C]CCCCCTCTCTACACACATAGTAGAGTGCCTGCATTCTCAGTGCTTCCACATTTTGGCTAT-3'
Protein context (NP_079029.3, residues 252-272): QALYYVCREG[Asp262Gly]IEKASTKLEN